The following is an entry in ClinVar:

NM_001080.3(ALDH5A1):c.896C>A (p.Ser299Tyr)

Gene: ALDH5A1 (aldehyde dehydrogenase 5 family member A1; plus strand). Cytogenetic location: 6p22.3.
Variant type: single nucleotide variant.
Coding change: c.896C>A on transcript NM_001080.3 (MANE Select); coding-DNA position 896, C replaced by A.
Protein change: p.Ser299Tyr; replaces serine 299 with tyrosine.
Molecular consequence: missense variant.
Genome position (GRCh38, 1-based): chr6:24,520,426, C>A. VCF-style: chr6-24520426-C-A. GRCh37 (hg19) VCF-style: chr6-24520654-C-A.
Other names: c.752C>A, p.Ser251Tyr (NM_001368954.1); c.935C>A, p.Ser312Tyr (NM_170740.1); short protein forms S299Y, S251Y, S312Y.
Identifiers: ClinVar variation 1478174 (VCV001478174.8), dbSNP rs2127387282, ClinGen allele CA362974048.

ClinVar aggregate classification (germline): Uncertain significance (1 of 4 stars; one submission).

Conditions:
Succinate-semialdehyde dehydrogenase deficiency (SSADHD). Also called: Succinic Semialdehyde Dehydrogenase Deficiency; 4-HYDROXYBUTYRIC ACIDURIA; GABA METABOLIC DEFECT; SSADH DEFICIENCY. Identifiers: Orphanet 22, MedGen C0268631, MONDO:0010083, OMIM 271980.

Submission:

Labcorp Genetics (formerly Invitae), Labcorp
Classification: Uncertain significance for Succinate-semialdehyde dehydrogenase deficiency. Last evaluated: 2022-07-19. Review status: criteria provided, single submitter. Criteria: Invitae Variant Classification Sherloc (09022015). Collection method: clinical testing. Allele origin: germline.
Comment: In summary, the available evidence is currently insufficient to determine the role of this variant in disease. Therefore, it has been classified as a Variant of Uncertain Significance. Advanced modeling of protein sequence and biophysical properties (such as structural, functional, and spatial information, amino acid conservation, physicochemical variation, residue mobility, and thermodynamic stability) performed at Invitae indicates that this missense variant is expected to disrupt ALDH5A1 protein function. ClinVar contains an entry for this variant (Variation ID: 1478174). This variant has not been reported in the literature in individuals affected with ALDH5A1-related conditions. This variant is not present in population databases (gnomAD no frequency). This sequence change replaces serine, which is neutral and polar, with tyrosine, which is neutral and polar, at codon 299 of the ALDH5A1 protein (p.Ser299Tyr).